The following is an entry in ClinVar:

ClinVar aggregate classification (germline): Pathogenic (1 of 4 stars; one submission).

Conditions:
Developmental and epileptic encephalopathy. Identifiers: MedGen C5779964, MONDO:0100620.

Submission:

Labcorp Genetics (formerly Invitae), Labcorp
Classification: Pathogenic for Early-infantile DEE. Last evaluated: 2020-08-02. Review status: criteria provided, single submitter. Criteria: Invitae Variant Classification Sherloc (09022015). Collection method: clinical testing. Allele origin: germline.
Comment: This sequence change creates a premature translational stop signal (p.Gln554Serfs*17) in the SCN1A gene. It is expected to result in an absent or disrupted protein product. This variant is not present in population databases (ExAC no frequency). This variant has not been reported in the literature in individuals with SCN1A-related conditions. Loss-of-function variants in SCN1A are known to be pathogenic (PMID: 17347258, 18930999). For these reasons, this variant has been classified as Pathogenic.

Literature cited by the submitters: PubMed 17347258; PubMed 18930999.

NM_001165963.4(SCN1A):c.1659_1660insT (p.Gln554fs)

Gene: SCN1A (sodium voltage-gated channel alpha subunit 1; minus strand). Cytogenetic location: 2q24.3.
Variant type: Insertion.
Coding change: c.1659_1660insT on transcript NM_001165963.4 (MANE Select); coding-DNA positions 1659 to 1660, T inserted.
Protein change: p.Gln554fs; shifts the reading frame from glutamine 554.
Molecular consequence: frameshift variant. On other transcripts: 5 prime UTR variant (1), non-coding transcript variant (1).
Genome position: GRCh38 VCF-style: chr2-166045045-G-GA. GRCh37 (hg19) VCF-style: chr2-166901555-G-GA.
Other names: c.1659_1660insT, p.Gln554fs (NM_001165964.3, NM_001202435.3, NM_001353948.2 and 7 more transcripts); c.1656_1657insT, p.Gln553fs (NM_001353954.2, NM_001353955.2, NM_001353960.2); c.-767_-766insT (NM_001353961.2); short protein forms Q553fs, Q554fs.
Identifiers: ClinVar variation 1069294 (VCV001069294.3), dbSNP rs2105849998, ClinGen allele CA2499215201.